The following is an entry in ClinVar:

ClinVar aggregate classification (germline): Uncertain significance (1 of 4 stars; one submission).

Conditions:
Cardiovascular phenotype. Identifiers: MedGen CN230736.

Allele frequency attached by ClinVar (database versions not stated): gnomAD 0.00001; gnomAD exomes 0.00001; ExAC 0.00002.

Submission:

Ambry Genetics
Classification: Uncertain significance for Cardiovascular phenotype. Last evaluated: 2021-07-04. Review status: criteria provided, single submitter. Criteria: Ambry Variant Classification Scheme 2023. Collection method: clinical testing. Allele origin: germline.
Comment: The p.R762C variant (also known as c.2284C>T), located in coding exon 15 of the SCN10A gene, results from a C to T substitution at nucleotide position 2284. The arginine at codon 762 is replaced by cysteine, an amino acid with highly dissimilar properties. This amino acid position is conserved. In addition, this alteration is predicted to be deleterious by in silico analysis. Since supporting evidence is limited at this time, the clinical significance of this alteration remains unclear.

NM_006514.4(SCN10A):c.2284C>T (p.Arg762Cys)

Gene: SCN10A (sodium voltage-gated channel alpha subunit 10; minus strand). Cytogenetic location: 3p22.2.
Variant type: single nucleotide variant.
Coding change: c.2284C>T on transcript NM_006514.4 (MANE Select); coding-DNA position 2284, C replaced by T.
Protein change: p.Arg762Cys; replaces arginine 762 with cysteine.
Molecular consequence: missense variant.
Genome position (GRCh38, 1-based): chr3:38,728,898, G>A on the plus strand (C>T on the coding strand, the complement: SCN10A is on the minus strand). VCF-style: chr3-38728898-G-A. GRCh37 (hg19) VCF-style: chr3-38770389-G-A.
Other names: c.2284C>T, p.Arg762Cys (NM_001293306.2); c.1990C>T, p.Arg664Cys (NM_001293307.2); short protein forms R664C, R762C.
Identifiers: ClinVar variation 1788989 (VCV001788989.2), dbSNP rs577819850, ClinGen allele CA2320576.